The following is an entry in ClinVar:

NM_133261.3(GIPC3):c.856G>A (p.Val286Ile)

Gene: GIPC3 (GIPC PDZ domain containing family member 3; plus strand). Cytogenetic location: 19p13.3.
Variant type: single nucleotide variant.
Coding change: c.856G>A on transcript NM_133261.3 (MANE Select); coding-DNA position 856, G replaced by A.
Protein change: p.Val286Ile; replaces valine 286 with isoleucine.
Molecular consequence: missense variant.
Genome position (GRCh38, 1-based): chr19:3,590,107, G>A. VCF-style: chr19-3590107-G-A. GRCh37 (hg19) VCF-style: chr19-3590105-G-A.
Other names: short protein forms V286I.
Identifiers: ClinVar variation 163510 (VCV000163510.42), dbSNP rs138339125, ClinGen allele CA176154.

ClinVar aggregate classification (germline): Conflicting classifications of pathogenicity. Review status: criteria provided, conflicting classifications (1 of 4 stars). 7 submissions from 7 submitters: Uncertain significance (1); Benign (2); Likely benign (2). 2 of the submissions do not count toward it. Last evaluated 2026-01-19.

Conditions:
GIPC3-related disorder. Also called: GIPC3-related condition.

Allele frequency attached by ClinVar (database versions not stated): 1000 Genomes Project 30x 0.00016; 1000 Genomes Project 0.00020; gnomAD exomes 0.00117 and 0.00171; TOPMed 0.00117; gnomAD 0.00121 and 0.00126; ExAC 0.00139; ESP Exome Variant Server 0.00215.
gnomAD v4.1: 2,656 of 1,611,312 alleles (0.16%); highest among the groups gnomAD compares: Non-Finnish European, 0.2%; 5 homozygotes.

Submissions (7):

Labcorp Genetics (formerly Invitae), Labcorp
Classification: Likely benign. Last evaluated: 2026-01-19. Review status: criteria provided, single submitter. Criteria: Invitae Variant Classification Sherloc (09022015). Collection method: clinical testing. Allele origin: germline.

CeGaT Center for Human Genetics Tuebingen
Classification: Benign. Last evaluated: 2026-01-01. Review status: criteria provided, single submitter. Criteria: CeGaT Center For Human Genetics Tuebingen Variant Classification Criteria Version 2. Collection method: clinical testing. Allele origin: germline. Affected: yes. Observed: 5 variant alleles.
Comment: GIPC3: BS1, BS2

GeneDx
Classification: Likely benign. Last evaluated: 2020-12-10. Review status: criteria provided, single submitter. Criteria: GeneDx Variant Classification Process June 2021. Collection method: clinical testing. Allele origin: germline. Affected: yes.

Eurofins Ntd Llc (ga)
Classification: Uncertain significance. Last evaluated: 2015-01-22. Review status: criteria provided, single submitter. Criteria: EGL Classification Definitions 2015. Collection method: clinical testing. Allele origin: germline. Observed: 1 variant allele, 1 heterozygote.

Laboratory for Molecular Medicine, Mass General Brigham Personalized Medicine
Classification: Benign. Last evaluated: 2012-04-30. Review status: criteria provided, single submitter. Criteria: LMM Criteria. Collection method: clinical testing. Allele origin: germline. Observed: 3 variant alleles.
Comment: Val286Ile in Exon 06 of GIPC3: This variant is not expected to have clinical sig nificance because it has been identified in 0.4% (26/7016) of European American chromosomes from a broad population by the NHLBI Exome Sequencing Project (dbSNP rs138339125).

PreventionGenetics, part of Exact Sciences
Classification: Likely benign for GIPC3-related condition. Last evaluated: 2022-11-28. Review status: no assertion criteria provided. Collection method: clinical testing. Allele origin: germline. Not counted in ClinVar's aggregate classification.
Comment: This variant is classified as likely benign based on ACMG/AMP sequence variant interpretation guidelines (Richards et al. 2015 PMID: 25741868, with internal and published modifications).

Department of Pathology and Laboratory Medicine, Sinai Health System
Classification: Likely benign. Review status: no assertion criteria provided. Collection method: clinical testing. Allele origin: unknown. Affected: yes. Study: The Canadian Open Genetics Repository (COGR). Not counted in ClinVar's aggregate classification.
Comment: The GIPC3 p.Val286Ile variant was not identified in the literature but was identified in dbSNP (ID: rs138339125) and ClinVar (classified as uncertain significance by GeneDx and EGL Genetics, as likely benign by Invitae and as benign by Laboratory for Molecular Medicine). The variant was identified in control databases in 326 of 273846 chromosomes (1 homozygous) at a frequency of 0.00119 increasing the likelihood this could be a low frequency benign variant (Genome Aggregation Database March 6, 2019, v2.1.1). The variant was observed in the following populations: Ashkenazi Jewish in 25 of 10050 chromosomes (freq: 0.002488), European (non-Finnish) in 243 of 124586 chromosomes (freq: 0.00195), European (Finnish) in 29 of 24102 chromosomes (freq: 0.001203), Other in 6 of 6970 chromosomes (freq: 0.000861), Latino in 21 of 34498 chromosomes (freq: 0.000609) and African in 2 of 24056 chromosomes (freq: 0.000083), but was not observed in the East Asian or South Asian populations. The p.Val286 residue is conserved in mammals and computational analyses (PolyPhen-2, SIFT, AlignGVGD, BLOSUM, MutationTaster) provide inconsistent predictions regarding the impact to the protein; this information is not very predictive of pathogenicity. The variant occurs outside of the splicing consensus sequence and in silico or computational prediction software programs (SpliceSiteFinder, MaxEntScan, NNSPLICE, GeneSplicer) do not predict a difference in splicing. In summary, based on the above information the clinical significance of this variant cannot be determined with certainty at this time although we would lean towards a more benign role for this variant. This variant is classified as likely benign.